The following is an entry in ClinVar:

NM_145331.3(MAP3K7):c.81C>G (p.Asn27Lys)

Gene: MAP3K7 (mitogen-activated protein kinase kinase kinase 7; minus strand). Cytogenetic location: 6q15.
Variant type: single nucleotide variant.
Coding change: c.81C>G on transcript NM_145331.3 (MANE Select); coding-DNA position 81, C replaced by G.
Protein change: p.Asn27Lys; replaces asparagine 27 with lysine.
Molecular consequence: missense variant.
Genome position (GRCh38, 1-based): chr6:90,586,803, G>C on the plus strand (C>G on the coding strand, the complement: MAP3K7 is on the minus strand). VCF-style: chr6-90586803-G-C. GRCh37 (hg19) VCF-style: chr6-91296522-G-C.
Other names: c.81C>G, p.Asn27Lys (NM_003188.4, NM_145332.3, NM_145333.3); short protein forms N27K.
Identifiers: ClinVar variation 3604363 (VCV003604363.2).

ClinVar aggregate classification (germline): Uncertain significance (1 of 4 stars; one submission).

Submission:

Labcorp Genetics (formerly Invitae), Labcorp
Classification: Uncertain significance. Last evaluated: 2024-03-18. Review status: criteria provided, single submitter. Criteria: Invitae Variant Classification Sherloc (09022015). Collection method: clinical testing. Allele origin: germline.
Comment: This sequence change replaces asparagine, which is neutral and polar, with lysine, which is basic and polar, at codon 27 of the MAP3K7 protein (p.Asn27Lys). This variant is not present in population databases (gnomAD no frequency). This variant has not been reported in the literature in individuals affected with MAP3K7-related conditions. An algorithm developed to predict the effect of missense changes on protein structure and function (PolyPhen-2) suggests that this variant is likely to be tolerated. In summary, the available evidence is currently insufficient to determine the role of this variant in disease. Therefore, it has been classified as a Variant of Uncertain Significance.